The following is an entry in ClinVar:

NM_024513.4(FYCO1):c.1142C>T (p.Thr381Met)

Gene: FYCO1 (FYVE and coiled-coil domain autophagy adaptor 1; minus strand). Cytogenetic location: 3p21.31.
Variant type: single nucleotide variant.
Coding change: c.1142C>T on transcript NM_024513.4 (MANE Select); coding-DNA position 1142, C replaced by T.
Protein change: p.Thr381Met; replaces threonine 381 with methionine.
Molecular consequence: missense variant.
Genome position (GRCh38, 1-based): chr3:45,968,192, G>A on the plus strand (C>T on the coding strand, the complement: FYCO1 is on the minus strand). VCF-style: chr3-45968192-G-A. GRCh37 (hg19) VCF-style: chr3-46009684-G-A.
Other names: short protein forms T381M.
Identifiers: ClinVar variation 345528 (VCV000345528.19), dbSNP rs3733101, ClinGen allele CA2353306.

ClinVar aggregate classification (germline): Benign/Likely benign. Review status: criteria provided, multiple submitters, no conflicts (2 of 4 stars). 5 submissions from 5 submitters: Benign (3); Likely benign (2). Last evaluated 2026-01-02.

Conditions:
Cataract 18 (CATC2). Also called: CATARACT 18, AUTOSOMAL RECESSIVE. Identifiers: Orphanet 91492, Orphanet 98991, Orphanet 98992, Orphanet 98995, MedGen C1864908, MONDO:0012395, OMIM 610019.

Allele frequency attached by ClinVar (database versions not stated): gnomAD 0.00123 and 0.00176; TOPMed 0.00124; ESP Exome Variant Server 0.00185; gnomAD exomes 0.00270; ExAC 0.00294; 1000 Genomes Project 30x 0.00437; 1000 Genomes Project 0.00479.
gnomAD v4.1: 3,463 of 1,613,972 alleles (0.21%); highest among the groups gnomAD compares: East Asian, 1.4%; 32 homozygotes.

Submissions (5):

Labcorp Genetics (formerly Invitae), Labcorp
Classification: Benign for Cataract 18. Last evaluated: 2026-01-02. Review status: criteria provided, single submitter. Criteria: Invitae Variant Classification Sherloc (09022015). Collection method: clinical testing. Allele origin: germline.

Blueprint Genetics
Classification: Likely benign. Last evaluated: 2024-11-08. Review status: criteria provided, single submitter. Criteria: ACMG Guidelines, 2015. Collection method: clinical testing. Allele origin: germline.

GeneDx
Classification: Likely benign. Last evaluated: 2022-12-19. Review status: criteria provided, single submitter. Criteria: GeneDx Variant Classification Process June 2021. Collection method: clinical testing. Allele origin: germline. Affected: yes.
Comment: See Variant Classification Assertion Criteria.

Illumina Laboratory Services, Illumina
Classification: Benign for Cataract 18. Last evaluated: 2018-01-13. Review status: criteria provided, single submitter. Criteria: ICSL Variant Classification Criteria 13 December 2019. Collection method: clinical testing. Allele origin: germline.
Comment: This variant was observed in the ICSL laboratory as part of a predisposition screen in an ostensibly healthy population. It had not been previously curated by ICSL or reported in the Human Gene Mutation Database (HGMD: prior to June 1st, 2018), and was therefore a candidate for classification through an automated scoring system. Utilizing variant allele frequency, disease prevalence and penetrance estimates, and inheritance mode, an automated score was calculated to assess if this variant is too frequent to cause the disease. Based on the score and internal cut-off values, a variant classified as benign is not then subjected to further curation. The score for this variant resulted in a classification of benign for this disease.

Breakthrough Genomics
Classification: Benign. Review status: criteria provided, single submitter. Criteria: ACMG Guidelines, 2015. Collection method: not provided. Allele origin: germline. Inheritance: Autosomal recessive inheritance. Affected: yes.